The following is an entry in ClinVar:

NM_007294.3(BRCA1):c.4186-?_5193+?del

Gene: BRCA1 (BRCA1 DNA repair associated; minus strand). Cytogenetic location: 17q21.31.
Variant type: Deletion.
Coding change: c.4186-?_5193+?del on transcript NM_007294.3.
Other names: c.4186-?_5193+?del (LRG_292t1).
Identifiers: ClinVar variation 216103 (VCV000216103.3).

ClinVar aggregate classification (germline): Pathogenic. Review status: criteria provided, multiple submitters, no conflicts (2 of 4 stars). 3 submissions from 3 submitters: Pathogenic (3). Last evaluated 2015-10-02.

Conditions:
Breast-ovarian cancer, familial, susceptibility to, 1 (BROVCA1). Also called: BRCA1 Hereditary Breast and Ovarian Cancer; OVARIAN CANCER, SUSCEPTIBILITY TO. Identifiers: Orphanet 145, MedGen C2676676, MONDO:0011450, OMIM 604370. Disease mechanism: loss of function.
Hereditary breast ovarian cancer syndrome. Also called: Breast and ovarian cancer; Hereditary breast and ovarian cancer; Hereditary breast and ovarian cancer syndrome; Hereditary breast and/or ovarian cancer syndrome; BRCA1- and BRCA2-Associated Hereditary Breast and Ovarian Cancer; Hereditary breast and ovarian cancer syndrome (HBOC). Identifiers: Orphanet 145, MedGen C0677776, MeSH D061325, MONDO:0003582. Disease mechanism: loss of function.

Submissions (3):

Consortium of Investigators of Modifiers of BRCA1/2 (CIMBA), c/o University of Cambridge
Classification: Pathogenic for Breast-ovarian cancer, familial, susceptibility to, 1. Last evaluated: 2015-10-02. Review status: criteria provided, single submitter. Criteria: CIMBA Mutation Classification guidelines May 2016. Collection method: clinical testing. Allele origin: germline.

Labcorp Genetics (formerly Invitae), Labcorp
Classification: Pathogenic for BRCA1 and BRCA2 Hereditary Breast and Ovarian Cancer. Last evaluated: 2015-06-24. Review status: criteria provided, single submitter. Criteria: Invitae Variant Classification Sherloc (09022015). Collection method: clinical testing. Allele origin: germline.
Comment: This sequence change is a gross deletion of the genomic region encompassing exons 12-18 of the BRCA1 gene. This deletion extends to both edges of the assayed region, and the 5' and 3' boundaries of this event are not known. It is predicted to lead to an in-frame deletion of 336 amino acids in the BRCA1 protein (p.Gln1396_Glu1731del), which includes the BRCT-N domain (PMID: 22843421). Gross deletions in BRCA1 are known to be pathogenic (PMID: 22544547). A deletion encompassing exons 12-18 has been reported in the literature in a patient affected with breast cancer (PMID: 20135348). This variant is also known as a deletion of exons 13-19 in the literature. For these reasons, this variant has been classified as Pathogenic.

Department of Pathology and Laboratory Medicine, Sinai Health System
Classification: Pathogenic for Hereditary breast ovarian cancer syndrome. Last evaluated: 2014-08-20. Review status: criteria provided, single submitter. Criteria: ACMG Guidelines, 2015. Collection method: clinical testing. Allele origin: germline. Affected: yes. Study: The Canadian Open Genetics Repository (COGR).

Literature cited by the submitters: PubMed 24065545 (cited by Department of Pathology and Laboratory Medicine, Sinai Health System); PubMed 20135348 (cited by Department of Pathology and Laboratory Medicine, Sinai Health System).